The following is an entry in ClinVar:

NM_001378778.1(MPDZ):c.635C>T (p.Ala212Val)

Gene: MPDZ (multiple PDZ domain crumbs cell polarity complex component; minus strand). Cytogenetic location: 9p23.
Variant type: single nucleotide variant.
Coding change: c.635C>T on transcript NM_001378778.1 (MANE Select); coding-DNA position 635, C replaced by T.
Protein change: p.Ala212Val; replaces alanine 212 with valine.
Molecular consequence: missense variant.
Genome position (GRCh38, 1-based): chr9:13,222,345, G>A on the plus strand (C>T on the coding strand, the complement: MPDZ is on the minus strand). VCF-style: chr9-13222345-G-A. GRCh37 (hg19) VCF-style: chr9-13222344-G-A.
Other names: c.635C>T, p.Ala212Val (NM_001261406.2, NM_001261407.2, NM_001330637.2 and 14 more transcripts); short protein forms A212V.
Identifiers: ClinVar variation 1809773 (VCV001809773.1), dbSNP rs763065236, ClinGen allele CA372946793.

ClinVar aggregate classification (germline): Uncertain significance (1 of 4 stars; one submission).

Submission:

Athena Diagnostics
Classification: Uncertain significance. Last evaluated: 2021-06-09. Review status: criteria provided, single submitter. Criteria: Athena Diagnostics Criteria. Collection method: clinical testing. Allele origin: unknown.
Comment: This observation is not an independent occurrence and has been identified in the same individual by RCIGM, the other laboratory participating in the GEMINI study.